The following is an entry in ClinVar:

ClinVar aggregate classification (germline): Uncertain significance (1 of 4 stars; one submission).

Conditions:
Mucopolysaccharidosis type 6 (MPS6). Also called: ARSB DEFICIENCY; ARYLSULFATASE B DEFICIENCY; N-ACETYLGALACTOSAMINE-4-SULFATASE DEFICIENCY; MPS 6; Maroteaux Lamy syndrome; MPS VI. Identifiers: Orphanet 583, MedGen C0026709, MONDO:0009661, OMIM 253200.

Submission:

Labcorp Genetics (formerly Invitae), Labcorp
Classification: Uncertain significance for Mucopolysaccharidosis type 6. Last evaluated: 2022-05-16. Review status: criteria provided, single submitter. Criteria: Invitae Variant Classification Sherloc (09022015). Collection method: clinical testing. Allele origin: germline.
Comment: This variant has not been reported in the literature in individuals affected with ARSB-related conditions. In summary, the available evidence is currently insufficient to determine the role of this variant in disease. Therefore, it has been classified as a Variant of Uncertain Significance. Advanced modeling of protein sequence and biophysical properties (such as structural, functional, and spatial information, amino acid conservation, physicochemical variation, residue mobility, and thermodynamic stability) performed at Invitae indicates that this missense variant is not expected to disrupt ARSB protein function. This variant is not present in population databases (gnomAD no frequency). This sequence change replaces methionine, which is neutral and non-polar, with leucine, which is neutral and non-polar, at codon 209 of the ARSB protein (p.Met209Leu).

NM_000046.5(ARSB):c.625A>T (p.Met209Leu)

Gene: ARSB (arylsulfatase B; minus strand). Cytogenetic location: 5q14.1.
Variant type: single nucleotide variant.
Coding change: c.625A>T on transcript NM_000046.5 (MANE Select); coding-DNA position 625, A replaced by T.
Protein change: p.Met209Leu; replaces methionine 209 with leucine.
Molecular consequence: missense variant.
Genome position (GRCh38, 1-based): chr5:78,964,481, T>A on the plus strand (A>T on the coding strand, the complement: ARSB is on the minus strand). VCF-style: chr5-78964481-T-A. GRCh37 (hg19) VCF-style: chr5-78260304-T-A.
Other names: c.625A>T, p.Met209Leu (NM_198709.3); short protein forms M209L.
Identifiers: ClinVar variation 2134800 (VCV002134800.4), dbSNP rs1433460400, ClinGen allele CA360193206.